The following is an entry in ClinVar:

ClinVar aggregate classification (germline): Pathogenic/Likely pathogenic. Review status: criteria provided, multiple submitters, no conflicts (2 of 4 stars). 5 submissions from 5 submitters: Pathogenic (4); Likely pathogenic (1). Last evaluated 2025-11-06.

Conditions:
Hereditary cancer-predisposing syndrome. Also called: Hereditary neoplastic syndrome; Neoplastic Syndromes, Hereditary; Hereditary Cancer Syndrome; Tumor predisposition. Identifiers: Orphanet 140162, MedGen C0027672, MeSH D009386, MONDO:0015356.
Familial cancer of breast. Also called: Hereditary breast cancer; BREAST CANCER, FAMILIAL; hereditary breast carcinoma. Identifiers: Orphanet 227535, MedGen C0346153, MONDO:0016419, OMIM 114480. Disease mechanism: loss of function.

Submissions (5):

Quest Diagnostics Nichols Institute San Juan Capistrano
Classification: Pathogenic. Last evaluated: 2025-11-06. Review status: criteria provided, single submitter. Criteria: Quest Diagnostics criteria. Collection method: clinical testing. Allele origin: unknown.
Comment: The CHEK2 c.1254del (p.Phe418Leufs*19) variant alters the translational reading frame of the CHEK2 mRNA and causes the premature termination of CHEK2 protein synthesis. This variant has been reported in the published literature in individuals with prostate cancer (PMID: 29520813 (2018)), breast cancer (PMID: 26681312 (2015)), and unspecified cancer (PMID: 33026450 (2020)). This variant has not been reported in large, multi-ethnic general populations (Genome Aggregation Database). Based on the available information, this variant is classified as pathogenic.

Labcorp Genetics (formerly Invitae), Labcorp
Classification: Pathogenic for Familial cancer of breast. Last evaluated: 2025-03-23. Review status: criteria provided, single submitter. Criteria: Invitae Variant Classification Sherloc (09022015). Collection method: clinical testing. Allele origin: germline.
Comment: This sequence change creates a premature translational stop signal (p.Phe418Leufs*19) in the CHEK2 gene. It is expected to result in an absent or disrupted protein product. Loss-of-function variants in CHEK2 are known to be pathogenic (PMID: 21876083, 24713400). This variant is not present in population databases (gnomAD no frequency). This premature translational stop signal has been observed in individual(s) with breast cancer (PMID: 26681312, 29520813). ClinVar contains an entry for this variant (Variation ID: 128052). For these reasons, this variant has been classified as Pathogenic.

GeneDx
Classification: Likely pathogenic. Last evaluated: 2024-06-11. Review status: criteria provided, single submitter. Criteria: GeneDx Variant Classification Process June 2021. Collection method: clinical testing. Allele origin: germline. Affected: yes.
Comment: Frameshift variant predicted to result in protein truncation or nonsense mediated decay in a gene for which loss of function is a known mechanism of disease; Not observed at significant frequency in large population cohorts (gnomAD); This variant is associated with the following publications: (PMID: 26681312, 29520813, 36922933, 32805687)

Ambry Genetics
Classification: Pathogenic for Hereditary cancer-predisposing syndrome. Last evaluated: 2024-04-29. Review status: criteria provided, single submitter. Criteria: Ambry Variant Classification Scheme 2023. Collection method: clinical testing. Allele origin: germline.
Comment: The c.1254delT pathogenic mutation, located in coding exon 10 of the CHEK2 gene, results from a deletion of one nucleotide at nucleotide position 1254, causing a translational frameshift with a predicted alternate stop codon (p.F418Lfs*19). This alteration was identified in 1/10030 consecutive patients referred for evaluation by an NGS hereditary cancer panel in a patient with breast cancer (Susswein LR et al. Genet. Med., 2016 08;18:823-32). This alteration has also been reported in two individuals with prostate cancer (Wu Y et al. Prostate, 2018 06;78:607-615). This alteration is expected to result in loss of function by premature protein truncation or nonsense-mediated mRNA decay. As such, this alteration is interpreted as a disease-causing mutation.

Myriad Genetics, Inc.
Classification: Pathogenic for Familial cancer of breast. Last evaluated: 2023-06-28. Review status: criteria provided, single submitter. Criteria: Myriad Autosomal Dominant, Autosomal Recessive and X-Linked Classification Criteria (2023). Collection method: clinical testing. Allele origin: unknown.
Comment: This variant is considered pathogenic. This variant creates a frameshift predicted to result in premature protein truncation.

Literature cited by the submitters: PubMed 29520813 (cited by 3 submitters); PubMed 26681312 (cited by 3 submitters); PubMed 39096151 (cited by Quest Diagnostics Nichols Institute San Juan Capistrano); PubMed 32805687 (cited by Quest Diagnostics Nichols Institute San Juan Capistrano); PubMed 33026450 (cited by Quest Diagnostics Nichols Institute San Juan Capistrano); PubMed 21876083 (cited by Labcorp Genetics (formerly Invitae), Labcorp); PubMed 24713400 (cited by Labcorp Genetics (formerly Invitae), Labcorp).

NM_007194.4(CHEK2):c.1254del (p.Phe418fs)

Gene: CHEK2 (checkpoint kinase 2; minus strand). Cytogenetic location: 22q12.1.
Variant type: Deletion.
Coding change: c.1254del on transcript NM_007194.4 (MANE Select); coding-DNA position 1254, one base deleted (T; older notation c.1254delT).
Protein change: p.Phe418fs; shifts the reading frame from phenylalanine 418.
Molecular consequence: frameshift variant.
Genome position (GRCh38, 1-based): chr22:28,695,715, A deleted on the plus strand (T on the coding strand, the reverse complement: CHEK2 is on the minus strand); the first of 5 consecutive A bases (chr22:28,695,715-28,695,719); deleting any one gives the same sequence. VCF-style (leftmost placement, unchanged base first): chr22-28695714-TA-T. GRCh37 (hg19) VCF-style: chr22-29091702-TA-T.
Other names: c.1254del (NM_007194.3); c.1379delT, p.Phe461Leufs (NM_001005735.3); c.587delT, p.Phe197Leufs (NM_001257387.3); c.1049delT, p.Phe351Leufs (NM_001349956.3); c.1163delT, p.Phe389Leufs (NM_145862.3); short protein forms F418fs, F461fs, F197fs, F351fs, F389fs.
Identifiers: ClinVar variation 128052 (VCV000128052.19), dbSNP rs587780173, ClinGen allele CA288270.